The following is an entry in ClinVar:

NM_004360.5(CDH1):c.1137G>C (p.Thr379=)

Gene: CDH1 (cadherin 1; plus strand). Cytogenetic location: 16q22.1.
Variant type: single nucleotide variant.
Coding change: c.1137G>C on transcript NM_004360.5 (MANE Select); coding-DNA position 1137, G replaced by C.
Protein change: p.Thr379=; no amino-acid change (threonine 379 retained).
Molecular consequence: synonymous variant. On other transcripts: 5 prime UTR variant (2).
Genome position (GRCh38, 1-based): chr16:68,812,263, G>C. VCF-style: chr16-68812263-G-C. GRCh37 (hg19) VCF-style: chr16-68846166-G-C.
Other names: c.-683G>C (NM_001317186.2); c.1137G>C, p.Thr379= (NM_001317184.2); c.-479G>C (NM_001317185.2).
Identifiers: ClinVar variation 3646311 (VCV003646311.4).
Genomic context (GRCh38, chr16:68,812,263, plus strand): 5'-AACAGCTGTGATCACAGTCACTGACACCAACGATAATCCTCCGATCTTCAATCCCACCAC[G>C]GTAATTCTATAACTCCTTAGAGGGTTTCCAAAGAAAGGTCTTTTGTTGTTCATGAACTAA-3'
Protein context (NP_004351.1, residues 369-389): NDNPPIFNPT[Thr379=]YKGQVPENEA

ClinVar aggregate classification (germline): Uncertain significance. Review status: criteria provided, multiple submitters, no conflicts (2 of 4 stars). 2 submissions from 2 submitters: Uncertain significance (2). Last evaluated 2024-10-24.

Conditions:
Hereditary diffuse gastric adenocarcinoma (HDGC). Also called: DIFFUSE GASTRIC AND LOBULAR BREAST CANCER SYNDROME. Identifiers: Orphanet 26106, MedGen C1708349, MONDO:0007648, OMIM 137215.

Submissions (2):

Victorian Clinical Genetics Services, Murdoch Childrens Research Institute
Classification: Uncertain significance for Hereditary diffuse gastric adenocarcinoma. Last evaluated: 2024-10-24. Review status: criteria provided, single submitter. Criteria: ACMG Guidelines, 2015. Collection method: clinical testing. Allele origin: germline.
Comment: This variant is classified as VUS-3A. Evidence in support of pathogenic classification: Non-canonical splice site variant without proven consequence on splicing (no functional evidence available); Variant is absent from gnomAD (v2, v3 and v4); Other splice site variants at this nucleotide position comparable to the one identified in this case have moderate previous evidence for pathogenicity. c.1137G>A has been classified as pathogenic by the ClinGen CDH1 Variant Curation Expert Panel and c.1137G>T has been classified as likely pathogenic by the same panel; Abnormal splicing is predicted by in silico tool and affected nucleotide is highly conserved; Additional information: This variant is heterozygous; This gene is associated with autosomal dominant disease; This variant has no previous evidence of pathogenicity; No published segregation evidence has been identified for this variant; No published functional evidence has been identified for this variant; Loss of function is a known mechanism of disease in this gene and is associated with CDH1-related conditions, including blepharocheilodontic syndrome 1 (MIM#119580) and diffuse gastric and lobular breast cancer syndrome with or without cleft lip and/or palate (MIM#137215).

Labcorp Genetics (formerly Invitae), Labcorp
Classification: Uncertain significance for Hereditary diffuse gastric adenocarcinoma. Last evaluated: 2024-03-16. Review status: criteria provided, single submitter. Criteria: Invitae Variant Classification Sherloc (09022015). Collection method: clinical testing. Allele origin: germline.
Comment: This sequence change affects codon 379 of the CDH1 mRNA. It is a 'silent' change, meaning that it does not change the encoded amino acid sequence of the CDH1 protein. This variant also falls at the last nucleotide of exon 8, which is part of the consensus splice site for this exon. This variant is not present in population databases (gnomAD no frequency). This variant has not been reported in the literature in individuals affected with CDH1-related conditions. Variants that disrupt the consensus splice site are a relatively common cause of aberrant splicing (PMID: 17576681, 9536098). Algorithms developed to predict the effect of sequence changes on RNA splicing suggest that this variant may disrupt the consensus splice site. This variant disrupts the c.1137G nucleotide in the CDH1 gene. Other variant(s) that disrupt this nucleotide have been determined to be pathogenic (PMID: 15831593, 17221870, 17545690, 19725995, 21681551, 23709761, 26025002, 27682646; Invitae). This suggests that this nucleotide is clinically significant, and that variants that disrupt this position are likely to be disease-causing. In summary, the available evidence is currently insufficient to determine the role of this variant in disease. Therefore, it has been classified as a Variant of Uncertain Significance.

Literature cited by the submitters: PubMed 17576681 (cited by Labcorp Genetics (formerly Invitae), Labcorp); PubMed 9536098 (cited by Labcorp Genetics (formerly Invitae), Labcorp); PubMed 15831593 (cited by Labcorp Genetics (formerly Invitae), Labcorp); PubMed 17221870 (cited by Labcorp Genetics (formerly Invitae), Labcorp); PubMed 17545690 (cited by Labcorp Genetics (formerly Invitae), Labcorp); PubMed 19725995 (cited by Labcorp Genetics (formerly Invitae), Labcorp); PubMed 21681551 (cited by Labcorp Genetics (formerly Invitae), Labcorp); PubMed 23709761 (cited by Labcorp Genetics (formerly Invitae), Labcorp); PubMed 26025002 (cited by Labcorp Genetics (formerly Invitae), Labcorp); PubMed 27682646 (cited by Labcorp Genetics (formerly Invitae), Labcorp).